The following is an entry in ClinVar:

ClinVar aggregate classification (germline): Benign. Review status: criteria provided, multiple submitters, no conflicts (2 of 4 stars). 3 submissions from 3 submitters: Benign (3). Last evaluated 2019-12-31.

Conditions:
Premature ovarian failure 2B. Identifiers: MedGen C1845105, MONDO:0010373, OMIM 300604.

Allele frequency attached by ClinVar (database versions not stated): ExAC 0.00960; 1000 Genomes Project 30x 0.00354; 1000 Genomes Project 0.00397; gnomAD 0.00684 and 0.00673; gnomAD exomes 0.00846 and 0.00934; ESP Exome Variant Server 0.00880; TOPMed 0.00604.
gnomAD v4.1: 10,750 of 1,194,285 alleles (0.9%); highest among the groups gnomAD compares: Non-Finnish European, 1%; 45 homozygotes.

Submissions (3):

Labcorp Genetics (formerly Invitae), Labcorp
Classification: Benign. Last evaluated: 2019-12-31. Review status: criteria provided, single submitter. Criteria: Invitae Variant Classification Sherloc (09022015). Collection method: clinical testing. Allele origin: germline.

Illumina Laboratory Services, Illumina
Classification: Benign for Premature ovarian failure 2B. Last evaluated: 2018-01-12. Review status: criteria provided, single submitter. Criteria: ICSL Variant Classification Criteria 13 December 2019. Collection method: clinical testing. Allele origin: germline.
Comment: This variant was observed in the ICSL laboratory as part of a predisposition screen in an ostensibly healthy population. It had not been previously curated by ICSL or reported in the Human Gene Mutation Database (HGMD: prior to June 1st, 2018), and was therefore a candidate for classification through an automated scoring system. Utilizing variant allele frequency, disease prevalence and penetrance estimates, and inheritance mode, an automated score was calculated to assess if this variant is too frequent to cause the disease. Based on the score and internal cut-off values, a variant classified as benign is not then subjected to further curation. The score for this variant resulted in a classification of benign for this disease.

Breakthrough Genomics
Classification: Benign. Review status: criteria provided, single submitter. Criteria: ACMG Guidelines, 2015. Collection method: not provided. Allele origin: germline. Inheritance: X-linked inheritance. Affected: yes.

NM_024921.4(POF1B):c.716G>C (p.Cys239Ser)

Gene: POF1B (POF1B actin binding protein; minus strand). Cytogenetic location: Xq21.1.
Variant type: single nucleotide variant.
Coding change: c.716G>C on transcript NM_024921.4 (MANE Select); coding-DNA position 716, G replaced by C.
Protein change: p.Cys239Ser; replaces cysteine 239 with serine.
Molecular consequence: missense variant.
Genome position (GRCh38, 1-based): chrX:85,345,867, C>G on the plus strand (G>C on the coding strand, the complement: POF1B is on the minus strand). VCF-style: chrX-85345867-C-G. GRCh37 (hg19) VCF-style: chrX-84600873-C-G.
Other names: c.716G>C, p.Cys239Ser (NM_001307940.2); short protein forms C239S.
Identifiers: ClinVar variation 368788 (VCV000368788.10), dbSNP rs147563033, ClinGen allele CA10465125.